The following is an entry in ClinVar:

NM_173628.4(DNAH17):c.11678-7_11678-3del

Gene: DNAH17 (dynein axonemal heavy chain 17; minus strand). Cytogenetic location: 17q25.3.
Variant type: Microsatellite.
Coding change: c.11678-7_11678-3del on transcript NM_173628.4 (MANE Select); 7 bases into the intron before coding-DNA position 11678 through 3 bases into the intron before coding-DNA position 11678, 5 bases deleted (TCTTT; older notation c.11678-7_11678-3delTCTTT).
Molecular consequence: intron variant.
Genome position (GRCh38, 1-based): chr17:78,439,220-78,439,224, AAAGA deleted on the plus strand (TCTTT on the coding strand, the reverse complement: DNAH17 is on the minus strand); deleting any 5 consecutive bases within chr17:78,439,220-78,439,232 gives the same sequence; the c. name uses the placement nearest the transcript's 3' end. VCF-style (leftmost placement, unchanged base first): chr17-78439219-TAAAGA-T. GRCh37 (hg19) VCF-style: chr17-76435301-TAAAGA-T.
Identifiers: ClinVar variation 3045212 (VCV003045212.2), dbSNP rs749447619, ClinGen allele CA8800356.

ClinVar aggregate classification (germline): Likely benign (0 of 4 stars; one submission).

Conditions:
DNAH17-related disorder. Also called: DNAH17-related condition.

Submission:

PreventionGenetics, part of Exact Sciences
Classification: Likely benign for DNAH17-related condition. Last evaluated: 2019-10-28. Review status: no assertion criteria provided. Collection method: clinical testing. Allele origin: germline.
Comment: This variant is classified as likely benign based on ACMG/AMP sequence variant interpretation guidelines (Richards et al. 2015 PMID: 25741868, with internal and published modifications).